The following is an entry in ClinVar:

ClinVar aggregate classification (germline): Benign/Likely benign. Review status: criteria provided, multiple submitters, no conflicts (2 of 4 stars). 4 submissions from 4 submitters: Benign (1); Likely benign (3). Last evaluated 2025-06-09.

Conditions:
Hereditary cancer-predisposing syndrome. Also called: Tumor predisposition; Hereditary Cancer Syndrome; Neoplastic Syndromes, Hereditary; Hereditary neoplastic syndrome. Identifiers: Orphanet 140162, MedGen C0027672, MeSH D009386, MONDO:0015356.
Tuberous sclerosis 2 (TSC2). Identifiers: Orphanet 805, MedGen C1860707, MONDO:0013199, OMIM 613254.

gnomAD v4.1: 5 of 1,611,826 alleles (0.00031%); highest among the groups gnomAD compares: East Asian, 0.0089%; no homozygotes.

Submissions (4):

Myriad Genetics, Inc.
Classification: Benign for Tuberous sclerosis 2. Last evaluated: 2025-06-09. Review status: criteria provided, single submitter. Criteria: Myriad Autosomal Dominant, Autosomal Recessive and X-Linked Classification Criteria (2023). Collection method: clinical testing. Allele origin: unknown.
Comment: This variant is considered benign. This variant is a silent/synonymous amino acid change and it is not expected to impact splicing.

Labcorp Genetics (formerly Invitae), Labcorp
Classification: Likely benign for Tuberous sclerosis 2. Last evaluated: 2024-06-12. Review status: criteria provided, single submitter. Criteria: Invitae Variant Classification Sherloc (09022015). Collection method: clinical testing. Allele origin: germline.

Ambry Genetics
Classification: Likely benign for Hereditary cancer-predisposing syndrome. Last evaluated: 2022-02-22. Review status: criteria provided, single submitter. Criteria: Ambry Variant Classification Scheme 2023. Collection method: clinical testing. Allele origin: germline.

Division of Genomic Medicine, Department of Advanced Medicine, Medical Research Institute, Kanazawa Medical University
Classification: Likely benign for Tuberous sclerosis 2. Last evaluated: 2020-07-10. Review status: criteria provided, single submitter. Criteria: ACMG Guidelines, 2015. Collection method: clinical testing. Allele origin: germline. Affected: yes. Observed: 1 variant allele.

NM_000548.5(TSC2):c.5361C>T (p.Gly1787=)

Gene: TSC2 (TSC complex subunit 2; plus strand). Cytogenetic location: 16p13.3.
Variant type: single nucleotide variant.
Coding change: c.5361C>T on transcript NM_000548.5 (MANE Select); coding-DNA position 5361, C replaced by T.
Protein change: p.Gly1787=; no amino-acid change (glycine 1787 retained).
Molecular consequence: synonymous variant.
Genome position (GRCh38, 1-based): chr16:2,088,547, C>T. VCF-style: chr16-2088547-C-T. GRCh37 (hg19) VCF-style: chr16-2138548-C-T.
Other names: c.5292C>T, p.Gly1764= (NM_001114382.3); c.5052C>T, p.Gly1684= (NM_001318827.2); c.5016C>T, p.Gly1672= (NM_001318829.2); c.4629C>T, p.Gly1543= (NM_001318831.2); c.5193C>T, p.Gly1731= (NM_001318832.2); c.5163C>T, p.Gly1721= (NM_001363528.2); c.5229C>T, p.Gly1743= (NM_001370404.1); c.5220C>T, p.Gly1740= (NM_001370405.1); and 3 more.
Identifiers: ClinVar variation 977135 (VCV000977135.12), dbSNP rs1334165353, ClinGen allele CA493043739.